The following is an entry in ClinVar:

ClinVar aggregate classification (germline): Uncertain significance (1 of 4 stars; one submission).

Conditions:
Cardiovascular phenotype. Identifiers: MedGen CN230736.

Submission:

Ambry Genetics
Classification: Uncertain significance for Cardiovascular phenotype. Last evaluated: 2023-11-02. Review status: criteria provided, single submitter. Criteria: Ambry Variant Classification Scheme 2023. Collection method: clinical testing. Allele origin: germline.
Comment: The p.Q93H variant (also known as c.279G>C), located in coding exon 3 of the APOA1 gene, results from a G to C substitution at nucleotide position 279. The glutamine at codon 93 is replaced by histidine, an amino acid with highly similar properties. This amino acid position is conserved. In addition, this alteration is predicted to be tolerated by in silico analysis. Since supporting evidence is limited at this time, the clinical significance of this alteration remains unclear.

NM_000039.3(APOA1):c.279G>C (p.Gln93His)

Genes: APOA1 (apolipoprotein A1; minus strand), APOA1-AS (APOA1 antisense RNA; plus strand). Cytogenetic location: 11q23.3.
Variant type: single nucleotide variant.
Coding change: c.279G>C on transcript NM_000039.3 (MANE Select); coding-DNA position 279, G replaced by C.
Protein change: p.Gln93His; replaces glutamine 93 with histidine.
Molecular consequence: missense variant.
Genome position (GRCh38, 1-based): chr11:116,836,333, C>G on the plus strand (G>C on the coding strand, the complement: APOA1 is on the minus strand). VCF-style: chr11-116836333-C-G. GRCh37 (hg19) VCF-style: chr11-116707049-C-G.
Other names: c.279G>C, p.Gln93His (NM_001318017.2, NM_001318018.2, NM_001425090.1 and 1 more transcripts); c.-49G>C (NM_001318021.2, NM_001425091.1, NM_001425092.1); short protein forms Q93H.
Identifiers: ClinVar variation 3231915 (VCV003231915.1), dbSNP rs763439449, ClinGen allele CA382717040.